The following is an entry in ClinVar:

ClinVar aggregate classification (germline): Uncertain significance (1 of 4 stars; one submission).

Allele frequency attached by ClinVar (database versions not stated): gnomAD exomes below 0.00001.
gnomAD v4.1: 3 of 1,614,074 alleles (0.00019%); highest among the groups gnomAD compares: South Asian, 0.0011%; no homozygotes.

Submission:

Labcorp Genetics (formerly Invitae), Labcorp
Classification: Uncertain significance. Last evaluated: 2021-10-15. Review status: criteria provided, single submitter. Criteria: Invitae Variant Classification Sherloc (09022015). Collection method: clinical testing. Allele origin: germline.
Comment: This sequence change replaces isoleucine with threonine at codon 188 of the DPYS protein (p.Ile188Thr). The isoleucine residue is highly conserved and there is a moderate physicochemical difference between isoleucine and threonine. This variant is not present in population databases (ExAC no frequency). This variant has not been reported in the literature in individuals affected with DPYS-related conditions. Algorithms developed to predict the effect of missense changes on protein structure and function (SIFT, PolyPhen-2, Align-GVGD) all suggest that this variant is likely to be disruptive. In summary, the available evidence is currently insufficient to determine the role of this variant in disease. Therefore, it has been classified as a Variant of Uncertain Significance.

NM_001385.3(DPYS):c.563T>C (p.Ile188Thr)

Gene: DPYS (dihydropyrimidinase; minus strand). Cytogenetic location: 8q22.3.
Variant type: single nucleotide variant.
Coding change: c.563T>C on transcript NM_001385.3 (MANE Select); coding-DNA position 563, T replaced by C.
Protein change: p.Ile188Thr; replaces isoleucine 188 with threonine.
Molecular consequence: missense variant.
Genome position (GRCh38, 1-based): chr8:104,447,364, A>G on the plus strand (T>C on the coding strand, the complement: DPYS is on the minus strand). VCF-style: chr8-104447364-A-G. GRCh37 (hg19) VCF-style: chr8-105459592-A-G.
Other names: short protein forms I188T.
Identifiers: ClinVar variation 1387162 (VCV001387162.6), dbSNP rs2140718940, ClinGen allele CA371937386.